The following is an entry in ClinVar:

NM_001379270.1(CNGA1):c.329G>A (p.Ser110Asn)

Genes: CNGA1 (cyclic nucleotide gated channel subunit alpha 1; minus strand), LOC101927157 (uncharacterized LOC101927157; plus strand). Cytogenetic location: 4p12.
Variant type: single nucleotide variant.
Coding change: c.329G>A on transcript NM_001379270.1 (MANE Select); coding-DNA position 329, G replaced by A.
Protein change: p.Ser110Asn; replaces serine 110 with asparagine.
Molecular consequence: missense variant.
Genome position (GRCh38, 1-based): chr4:47,943,371, C>T on the plus strand (G>A on the coding strand, the complement: CNGA1 is on the minus strand). VCF-style: chr4-47943371-C-T. GRCh37 (hg19) VCF-style: chr4-47945388-C-T.
Other names: c.329G>A, p.Ser110Asn (NM_000087.5, NM_001142564.2); c.341G>A, p.Ser114Asn (NM_001375386.1); short protein forms S110N, S114N.
Identifiers: ClinVar variation 2122272 (VCV002122272.4), dbSNP rs1389575721, ClinGen allele CA356832392.
Genomic context (GRCh38, chr4:47,943,371, plus strand): 5'-ATTAAAATACAGAAATGTTATGGGCAGAAAAATGTGGGGTAATTCTTGCCAAAGTCTTAC[C>T]TCTTCTTTTCTTTTTTCTTTTTCTTTTTTTCTTCTGGTTCCCTAAAGAAAAAAATAATAT-3'
Protein context (NP_001366199.1, residues 100-120): EKKKKKKEKK[Ser110Asn]KSDDKNENKN

ClinVar aggregate classification (germline): Uncertain significance (1 of 4 stars; one submission).

Allele frequency attached by ClinVar (database versions not stated): gnomAD exomes below 0.00001.
gnomAD v4.1: 1 of 1,524,678 alleles (0.000066%); highest among the groups gnomAD compares: African/African-American, 0.0014%; no homozygotes.

Submission:

Labcorp Genetics (formerly Invitae), Labcorp
Classification: Uncertain significance. Last evaluated: 2024-11-14. Review status: criteria provided, single submitter. Criteria: Invitae Variant Classification Sherloc (09022015). Collection method: clinical testing. Allele origin: germline.
Comment: This sequence change replaces serine, which is neutral and polar, with asparagine, which is neutral and polar, at codon 114 of the CNGA1 protein (p.Ser114Asn). This variant also falls at the last nucleotide of exon 7, which is part of the consensus splice site for this exon. The frequency data for this variant in the population databases is considered unreliable, as metrics indicate poor data quality at this position in the gnomAD database. This variant has not been reported in the literature in individuals affected with CNGA1-related conditions. ClinVar contains an entry for this variant (Variation ID: 2122272). An algorithm developed to predict the effect of missense changes on protein structure and function (PolyPhen-2) suggests that this variant is likely to be tolerated. Variants that disrupt the consensus splice site are a relatively common cause of aberrant splicing (PMID: 17576681, 9536098). Algorithms developed to predict the effect of sequence changes on RNA splicing suggest that this variant may disrupt the consensus splice site. In summary, the available evidence is currently insufficient to determine the role of this variant in disease. Therefore, it has been classified as a Variant of Uncertain Significance.

Literature cited by the submitters: PubMed 17576681; PubMed 9536098.